The following is an entry in ClinVar:

ClinVar aggregate classification (germline): Uncertain significance (1 of 4 stars; one submission).

Conditions:
Agammaglobulinemia 4, autosomal recessive (AGM4). Also called: B cell linker protein deficiency; AGAMMAGLOBULINEMIA, AUTOSOMAL RECESSIVE, DUE TO BLNK DEFECT. Identifiers: MedGen C3150752, MONDO:0013289, OMIM 613502.

Allele frequency attached by ClinVar (database versions not stated): gnomAD 0.00001; gnomAD exomes 0.00001; TOPMed 0.00001.
gnomAD v4.1: 6 of 1,614,036 alleles (0.00037%); highest among the groups gnomAD compares: Admixed American, 0.0083%; no homozygotes.

Submission:

Labcorp Genetics (formerly Invitae), Labcorp
Classification: Uncertain significance for Agammaglobulinemia 4, autosomal recessive. Last evaluated: 2022-06-10. Review status: criteria provided, single submitter. Criteria: Invitae Variant Classification Sherloc (09022015). Collection method: clinical testing. Allele origin: germline.
Comment: This sequence change replaces leucine, which is neutral and non-polar, with proline, which is neutral and non-polar, at codon 112 of the BLNK protein (p.Leu112Pro). This variant is present in population databases (no rsID available, gnomAD 0.009%). This variant has not been reported in the literature in individuals affected with BLNK-related conditions. ClinVar contains an entry for this variant (Variation ID: 565951). Algorithms developed to predict the effect of missense changes on protein structure and function are either unavailable or do not agree on the potential impact of this missense change (SIFT: "Deleterious"; PolyPhen-2: "Benign"; Align-GVGD: "Class C0"). In summary, the available evidence is currently insufficient to determine the role of this variant in disease. Therefore, it has been classified as a Variant of Uncertain Significance.

NM_013314.4(BLNK):c.335T>C (p.Leu112Pro)

Gene: BLNK (B cell linker; minus strand). Cytogenetic location: 10q24.1.
Variant type: single nucleotide variant.
Coding change: c.335T>C on transcript NM_013314.4 (MANE Select); coding-DNA position 335, T replaced by C.
Protein change: p.Leu112Pro; replaces leucine 112 with proline.
Molecular consequence: missense variant. On other transcripts: non-coding transcript variant (4).
Genome position (GRCh38, 1-based): chr10:96,227,436, A>G on the plus strand (T>C on the coding strand, the complement: BLNK is on the minus strand). VCF-style: chr10-96227436-A-G. GRCh37 (hg19) VCF-style: chr10-97987192-A-G.
Other names: c.335T>C, p.Leu112Pro (NM_001114094.2, NM_001258440.2, NM_001258441.2 and 1 more transcripts); short protein forms L112P.
Identifiers: ClinVar variation 565951 (VCV000565951.6), dbSNP rs1434331471, ClinGen allele CA377725298.
Genomic context (GRCh38, chr10:96,227,436, plus strand): 5'-AAGGCCGAGTGCCCAGGTCTGCGGGGGACCTCACCTATATACTCGCCTCTGGCGAAGGGC[A>G]GGGCTGGGTGAACCGGCCTGGTTTCCTGCTCTACTGGAGGCGGCTCGTAGCTGTCATCAG-3'
Protein context (NP_037446.1, residues 102-122): EQETRPVHPA[Leu112Pro]PFARGEYIDN